The following is an entry in ClinVar:

ClinVar aggregate classification (germline): Uncertain significance (1 of 4 stars; one submission).

Conditions:
Multiple gastrointestinal atresias. Also called: FAMILIAL INTESTINAL POLYATRESIA SYNDROME; Multiple intestinal atresia. Identifiers: Orphanet 2300, MedGen C0220744, MONDO:0009465.

Allele frequency attached by ClinVar (database versions not stated): gnomAD exomes 0.00002.
gnomAD v4.1: 9 of 1,613,292 alleles (0.00056%); highest among the groups gnomAD compares: South Asian, 0.0033%; no homozygotes.

Submission:

Labcorp Genetics (formerly Invitae), Labcorp
Classification: Uncertain significance for Multiple gastrointestinal atresias. Last evaluated: 2022-05-30. Review status: criteria provided, single submitter. Criteria: Invitae Variant Classification Sherloc (09022015). Collection method: clinical testing. Allele origin: germline.
Comment: In summary, the available evidence is currently insufficient to determine the role of this variant in disease. Therefore, it has been classified as a Variant of Uncertain Significance. Algorithms developed to predict the effect of missense changes on protein structure and function are either unavailable or do not agree on the potential impact of this missense change (SIFT: "Deleterious"; PolyPhen-2: "Probably Damaging"; Align-GVGD: "Class C0"). This variant has not been reported in the literature in individuals affected with TTC7A-related conditions. This variant is not present in population databases (gnomAD no frequency). This sequence change replaces cysteine, which is neutral and slightly polar, with arginine, which is basic and polar, at codon 733 of the TTC7A protein (p.Cys733Arg).

NM_020458.4(TTC7A):c.2197T>C (p.Cys733Arg)

Gene: TTC7A (tetratricopeptide repeat domain 7A; plus strand). Cytogenetic location: 2p21.
Variant type: single nucleotide variant.
Coding change: c.2197T>C on transcript NM_020458.4 (MANE Select); coding-DNA position 2197, T replaced by C.
Protein change: p.Cys733Arg; replaces cysteine 733 with arginine.
Molecular consequence: missense variant.
Genome position (GRCh38, 1-based): chr2:47,060,813, T>C. VCF-style: chr2-47060813-T-C. GRCh37 (hg19) VCF-style: chr2-47287952-T-C.
Other names: c.2269T>C, p.Cys757Arg (NM_001288951.2); c.2095T>C, p.Cys699Arg (NM_001288953.2); c.1135T>C, p.Cys379Arg (NM_001288955.2); short protein forms C379R, C699R, C733R, C757R.
Identifiers: ClinVar variation 1914898 (VCV001914898.3), dbSNP rs2465431516, ClinGen allele CA346714654.